The following is an entry in ClinVar:

NM_001854.4(COL11A1):c.3792G>A (p.Gly1264=)

Gene: COL11A1 (collagen type XI alpha 1 chain; minus strand). Cytogenetic location: 1p21.1.
Variant type: single nucleotide variant.
Coding change: c.3792G>A on transcript NM_001854.4 (MANE Select); coding-DNA position 3792, G replaced by A.
Protein change: p.Gly1264=; no amino-acid change (glycine 1264 retained).
Molecular consequence: synonymous variant. On other transcripts: non-coding transcript variant (1).
Genome position (GRCh38, 1-based): chr1:102,915,655, C>T on the plus strand (G>A on the coding strand, the complement: COL11A1 is on the minus strand). VCF-style: chr1-102915655-C-T. GRCh37 (hg19) VCF-style: chr1-103381211-C-T.
Other names: c.3675G>A, p.Gly1225= (NM_001190709.2); c.3828G>A, p.Gly1276= (NM_080629.3); c.3444G>A, p.Gly1148= (NM_080630.4); c.3792G>A (NM_001854.3).
Identifiers: ClinVar variation 1627745 (VCV001627745.12), dbSNP rs372122122, ClinGen allele CA973842.

ClinVar aggregate classification (germline): Likely benign. Review status: criteria provided, multiple submitters, no conflicts (2 of 4 stars). 4 submissions from 4 submitters: Likely benign (3). 1 of the submissions does not count toward it. Last evaluated 2025-12-06.

Conditions:
COL11A1-related disorder. Also called: COL11A1-related disorders; COL11A1-related condition.
Fibrochondrogenesis 1 (FBCG1). Identifiers: Orphanet 2021, MedGen C3278138, MONDO:0009226, OMIM 228520.
Stickler syndrome type 2 (STL2). Also called: COL11A1-Related Stickler Syndrome; STICKLER SYNDROME, BEADED VITREOUS TYPE; STICKLER SYNDROME, VITREOUS TYPE 2; STICKLER SYNDROME, TYPE II. Identifiers: Orphanet 828, Orphanet 90654, MedGen C1858084, MONDO:0011493, OMIM 604841.
Marshall syndrome (MRSHS). Identifiers: Orphanet 560, MedGen C0265235, MONDO:0007949, OMIM 154780.
Intervertebral disc disorder (IDD). Also called: Lumbar disk degenerative disorder; INTERVERTEBRAL DISC DISEASE. Identifiers: MedGen C0158252, MONDO:0044339, OMIM 603932.
Hearing loss, autosomal dominant 37. Also called: DEAFNESS, AUTOSOMAL DOMINANT 37. Identifiers: MedGen C4760307, MONDO:0032802, OMIM 618533.

Allele frequency attached by ClinVar (database versions not stated): ExAC 0.00001; gnomAD 0.00001; gnomAD exomes 0.00002 and 0.00003; TOPMed 0.00003; ESP Exome Variant Server 0.00008.
gnomAD v4.1: 39 of 1,613,012 alleles (0.0024%); highest among the groups gnomAD compares: Admixed American, 0.0033%; no homozygotes.

Submissions (4):

Labcorp Genetics (formerly Invitae), Labcorp
Classification: Likely benign. Last evaluated: 2025-12-06. Review status: criteria provided, single submitter. Criteria: Invitae Variant Classification Sherloc (09022015). Collection method: clinical testing. Allele origin: germline.

Fulgent Genetics
Classification: Likely benign for Marshall syndrome; Fibrochondrogenesis 1; Intervertebral disc disorder; Stickler syndrome type 2; Hearing loss, autosomal dominant 37. Last evaluated: 2021-11-11. Review status: criteria provided, single submitter. Criteria: ACMG Guidelines, 2015. Collection method: clinical testing. Allele origin: unknown.

Blueprint Genetics
Classification: Likely benign. Last evaluated: 2020-01-28. Review status: criteria provided, single submitter. Criteria: ACMG Guidelines, 2015. Collection method: clinical testing. Allele origin: germline.

PreventionGenetics, part of Exact Sciences
Classification: Likely benign for COL11A1-related condition. Last evaluated: 2023-12-27. Review status: no assertion criteria provided. Collection method: clinical testing. Allele origin: germline. Not counted in ClinVar's aggregate classification.
Comment: This variant is classified as likely benign based on ACMG/AMP sequence variant interpretation guidelines (Richards et al. 2015 PMID: 25741868, with internal and published modifications).